The following is an entry in ClinVar:

ClinVar aggregate classification (germline): Uncertain significance. Review status: criteria provided, multiple submitters, no conflicts (2 of 4 stars). 3 submissions from 3 submitters: Uncertain significance (3). Last evaluated 2026-04-27.

Conditions:
Aicardi-Goutieres syndrome 7 (AGS7). Identifiers: Orphanet 51, MedGen C3888244, MONDO:0014367, OMIM 615846.
Singleton-Merten syndrome 1 (SGMRT1). Also called: Widened medullary cavities of bone, aortic calcification, abnormal dentition, and muscular weakness; Syndrome of widened medullary cavities of the metacarpals and phalanges, aortic calcification and abnormal dentition. Identifiers: Orphanet 85191, MedGen C4225427, MONDO:0024535, OMIM 182250.

Allele frequency attached by ClinVar (database versions not stated): gnomAD exomes 0.00001; ExAC 0.00004.
gnomAD v4.1: 19 of 1,613,414 alleles (0.0012%); highest among the groups gnomAD compares: South Asian, 0.021%; no homozygotes.

Submissions (3):

Women's Health and Genetics/Laboratory Corporation of America, LabCorp
Classification: Uncertain significance. Last evaluated: 2026-04-27. Review status: criteria provided, single submitter. Criteria: LabCorp Variant Classification Summary - May 2015. Collection method: clinical testing. Allele origin: germline.
Comment: Variant summary: IFIH1 c.2898G>C (p.Gln966His) results in a non-conservative amino acid change in the encoded protein sequence. Algorithms developed to predict the effect of missense changes on protein structure and function are either unavailable or do not agree on the potential impact of this missense change. Several computational tools predict a significant impact on normal splicing: Four predict the variant weakens a canonical 5' donor site and one predicts the variant has no significant impact on splicing. However, these predictions have yet to be confirmed by functional studies. The variant allele was found at a frequency of 2.8e-05 in 251402 control chromosomes. The available data on variant occurrences in the general population are insufficient to allow any conclusion about variant significance. To our knowledge, no occurrence of c.2898G>C in individuals affected with IFIH1-related conditions and no experimental evidence demonstrating its impact on protein function have been reported. ClinVar contains an entry for this variant (Variation ID: 2094368). Based on the evidence outlined above, the variant was classified as uncertain significance.

Labcorp Genetics (formerly Invitae), Labcorp
Classification: Uncertain significance for Aicardi-Goutieres syndrome 7; Singleton-Merten syndrome 1. Last evaluated: 2025-09-25. Review status: criteria provided, single submitter. Criteria: Invitae Variant Classification Sherloc (09022015). Collection method: clinical testing. Allele origin: germline.
Comment: This sequence change replaces glutamine, which is neutral and polar, with histidine, which is basic and polar, at codon 966 of the IFIH1 protein (p.Gln966His). This variant also falls at the last nucleotide of exon 15, which is part of the consensus splice site for this exon. This variant is present in population databases (rs772346895, gnomAD 0.02%). This variant has not been reported in the literature in individuals affected with IFIH1-related conditions. This missense change has been observed in at least one individual who was not affected with IFIH1-related conditions (internal data). ClinVar contains an entry for this variant (Variation ID: 2094368). An algorithm developed to predict the effect of missense changes on protein structure and function (PolyPhen-2) suggests that this variant is likely to be disruptive. Variants that disrupt the consensus splice site are a relatively common cause of aberrant splicing (PMID: 17576681, 9536098). In summary, the available evidence is currently insufficient to determine the role of this variant in disease. Therefore, it has been classified as a Variant of Uncertain Significance.

Blueprint Genetics
Classification: Uncertain significance. Last evaluated: 2022-06-14. Review status: criteria provided, single submitter. Criteria: ACMG Guidelines, 2015. Collection method: clinical testing. Allele origin: germline.

Literature cited by the submitters: PubMed 17576681 (cited by Labcorp Genetics (formerly Invitae), Labcorp); PubMed 9536098 (cited by Labcorp Genetics (formerly Invitae), Labcorp).

NM_022168.4(IFIH1):c.2898G>C (p.Gln966His)

Gene: IFIH1 (interferon induced with helicase C domain 1; minus strand). Cytogenetic location: 2q24.2.
Variant type: single nucleotide variant.
Coding change: c.2898G>C on transcript NM_022168.4 (MANE Select); coding-DNA position 2898, G replaced by C.
Protein change: p.Gln966His; replaces glutamine 966 with histidine.
Molecular consequence: missense variant.
Genome position (GRCh38, 1-based): chr2:162,267,479, C>G on the plus strand (G>C on the coding strand, the complement: IFIH1 is on the minus strand). VCF-style: chr2-162267479-C-G. GRCh37 (hg19) VCF-style: chr2-163123989-C-G.
Other names: short protein forms Q966H.
Identifiers: ClinVar variation 2094368 (VCV002094368.6), dbSNP rs772346895, ClinGen allele CA1934043.